The following is an entry in ClinVar:

ClinVar aggregate classification (germline): Uncertain significance (1 of 4 stars; one submission).

Submission:

Labcorp Genetics (formerly Invitae), Labcorp
Classification: Uncertain significance. Last evaluated: 2022-11-01. Review status: criteria provided, single submitter. Criteria: Invitae Variant Classification Sherloc (09022015). Collection method: clinical testing. Allele origin: germline.
Comment: In summary, the available evidence is currently insufficient to determine the role of this variant in disease. Therefore, it has been classified as a Variant of Uncertain Significance. Advanced modeling of protein sequence and biophysical properties (such as structural, functional, and spatial information, amino acid conservation, physicochemical variation, residue mobility, and thermodynamic stability) performed at Invitae indicates that this missense variant is expected to disrupt BRWD3 protein function. This variant has not been reported in the literature in individuals affected with BRWD3-related conditions. This variant is not present in population databases (gnomAD no frequency). This sequence change replaces serine, which is neutral and polar, with tryptophan, which is neutral and slightly polar, at codon 1322 of the BRWD3 protein (p.Ser1322Trp).

NM_153252.5(BRWD3):c.3965C>G (p.Ser1322Trp)

Gene: BRWD3 (bromodomain and WD repeat domain containing 3; minus strand). Cytogenetic location: Xq21.1.
Variant type: single nucleotide variant.
Coding change: c.3965C>G on transcript NM_153252.5 (MANE Select); coding-DNA position 3965, C replaced by G.
Protein change: p.Ser1322Trp; replaces serine 1322 with tryptophan.
Molecular consequence: missense variant.
Genome position (GRCh38, 1-based): chrX:80,686,903, G>C on the plus strand (C>G on the coding strand, the complement: BRWD3 is on the minus strand). VCF-style: chrX-80686903-G-C. GRCh37 (hg19) VCF-style: chrX-79942402-G-C.
Other names: short protein forms S1322W.
Identifiers: ClinVar variation 1716521 (VCV001716521.6), dbSNP rs372993559, ClinGen allele CA413612957.